The following is an entry in ClinVar:

ClinVar aggregate classification (germline): Pathogenic (1 of 4 stars; one submission).

Conditions:
Mitochondrial complex I deficiency, nuclear type 25. Also called: Mitochondrial complex 1 deficiency, nuclear type 25. Identifiers: MedGen C4748806, MONDO:0032629, OMIM 618246.

Submission:

Victorian Clinical Genetics Services, Murdoch Childrens Research Institute
Classification: Pathogenic for Mitochondrial complex I deficiency, nuclear type 25. Last evaluated: 2022-02-02. Review status: criteria provided, single submitter. Criteria: ACMG Guidelines, 2015. Collection method: clinical testing. Allele origin: germline. Inheritance: Autosomal recessive inheritance.
Comment: Based on the classification scheme VCGS_Germline_v1.3.4, this variant is classified as Pathogenic. Following criteria are met: 0102 - Loss of function is a known mechanism of disease in this gene and is associated with mitochondrial complex I deficiency, nuclear type 25 (MIM#618246). (I) 0106 - This gene is associated with autosomal recessive disease. (I) 0204 - Variant is predicted to result in a truncated protein (premature termination codon is NOT located at least 54 nucleotides upstream of the final exon-exon junction) with at least 1/3 of the protein sequence affected. (SP) 0251 - This variant is heterozygous. (I) 0301 - Variant is absent from gnomAD (both v2 and v3). (SP) 0601 - Variant is results in the complete loss of the downstream, well-established functional NADH-ubiquinone oxidoreductase B12 subunit domain (NCBI). (SP) 0702 - Other truncating variants downstream and comparable to the one identified in this case have strong previous evidence for pathogenicity. These variants have been reported as likely pathogenic and pathogenic (ClinVar, LOVD), and have been reported in several compound heterozygous individuals with complex I deficiency and an unclassified epilepsy (PMID: 26795593, PMID: 22499348). (SP) 0807 - This variant has no previous evidence of pathogenicity. (I) 0905 - No published segregation evidence has been identified for this variant. (I) 1007 - No published functional evidence has been identified for this variant. (SP) Legend: (SP) - Supporting pathogenic, (I) - Information, (SB) - Supporting benign

Literature cited by the submitters: PubMed 22499348; PubMed 26795593.

NM_002491.3(NDUFB3):c.117del (p.Gly40_Leu41insTer)

Gene: NDUFB3 (NADH:ubiquinone oxidoreductase subunit B3; plus strand). Cytogenetic location: 2q33.1.
Variant type: Deletion.
Coding change: c.117del on transcript NM_002491.3 (MANE Select); coding-DNA position 117, one base deleted (A; older notation c.117delA).
Protein change: p.Gly40_Leu41insTer.
Molecular consequence: frameshift variant.
Genome position (GRCh38, 1-based): chr2:201,078,999, A deleted; the last of 4 consecutive A bases (chr2:201,078,996-201,078,999); deleting any one gives the same sequence. VCF-style (leftmost placement, unchanged base first): chr2-201078995-CA-C. GRCh37 (hg19) VCF-style: chr2-201943718-CA-C.
Other names: c.117del, p.Gly40_Leu41insTer (NM_001257102.2).
Identifiers: ClinVar variation 1698952 (VCV001698952.3), dbSNP rs2125534778, ClinGen allele CA2573131706.